The following is an entry in ClinVar:

ClinVar aggregate classification (germline): Conflicting classifications of pathogenicity. Review status: criteria provided, conflicting classifications (1 of 4 stars). 5 submissions from 5 submitters: Uncertain significance (4); Likely benign (1). Last evaluated 2025-12-17.

Conditions:
Fetal akinesia deformation sequence 1 (FADS1). Also called: Fetal akinesia sequence; Pena-Shokeir syndrome type I. Identifiers: Orphanet 994, MedGen C1276035, MONDO:0100101, OMIM 208150, HP:0001989.
Congenital myasthenic syndrome 10. Also called: Myasthenia, limb-girdle, familial. Identifiers: Orphanet 590, MedGen C1850792, MONDO:0009690, OMIM 254300.

Allele frequency attached by ClinVar (database versions not stated): ESP Exome Variant Server 0.00039; gnomAD 0.00045; TOPMed 0.00057; 1000 Genomes Project 30x 0.00062; 1000 Genomes Project 0.00080.
gnomAD v4.1: 176 of 1,612,032 alleles (0.011%); highest among the groups gnomAD compares: African/African-American, 0.19%; 1 homozygote.

Submissions (5):

Labcorp Genetics (formerly Invitae), Labcorp
Classification: Likely benign for Congenital myasthenic syndrome 10; Fetal akinesia deformation sequence 1. Last evaluated: 2025-12-17. Review status: criteria provided, single submitter. Criteria: Invitae Variant Classification Sherloc (09022015). Collection method: clinical testing. Allele origin: germline.

GeneDx
Classification: Uncertain significance. Last evaluated: 2024-08-15. Review status: criteria provided, single submitter. Criteria: GeneDx Variant Classification Process June 2021. Collection method: clinical testing. Allele origin: germline. Affected: yes.
Comment: In silico analysis supports that this missense variant has a deleterious effect on protein structure/function; Has not been previously published as pathogenic or benign to our knowledge

Revvity Omics, Revvity
Classification: Uncertain significance. Last evaluated: 2019-04-24. Review status: criteria provided, single submitter. Criteria: ACMG Guidelines, 2015. Collection method: clinical testing. Allele origin: germline.

Eurofins Ntd Llc (ga)
Classification: Uncertain significance. Last evaluated: 2018-04-20. Review status: criteria provided, single submitter. Criteria: EGL ClinVar v180209 classification definitions. Collection method: clinical testing. Allele origin: germline. Observed: 1 variant allele, 1 heterozygote.

Breakthrough Genomics
Classification: Uncertain significance. Review status: criteria provided, single submitter. Criteria: ACMG Guidelines, 2015. Collection method: not provided. Allele origin: germline. Inheritance: Autosomal recessive inheritance. Affected: yes.

NM_173660.5(DOK7):c.1258C>G (p.Pro420Ala)

Gene: DOK7 (docking protein 7; plus strand). Cytogenetic location: 4p16.3.
Variant type: single nucleotide variant.
Coding change: c.1258C>G on transcript NM_173660.5 (MANE Select); coding-DNA position 1258, C replaced by G.
Protein change: p.Pro420Ala; replaces proline 420 with alanine.
Molecular consequence: missense variant. On other transcripts: 3 prime UTR variant (1).
Genome position (GRCh38, 1-based): chr4:3,493,244, C>G. VCF-style: chr4-3493244-C-G. GRCh37 (hg19) VCF-style: chr4-3494971-C-G.
Other names: c.*479C>G (NM_001164673.2); c.328C>G, p.Pro110Ala (NM_001256896.2); c.1258C>G, p.Pro420Ala (NM_001301071.2); c.826C>G, p.Pro276Ala (NM_001363811.2); short protein forms P420A, P276A, P110A.
Identifiers: ClinVar variation 534124 (VCV000534124.19), dbSNP rs150497723, ClinGen allele CA2829431.